The following is an entry in ClinVar:

ClinVar aggregate classification (germline): Uncertain significance. Review status: criteria provided, multiple submitters, no conflicts (2 of 4 stars). 2 submissions from 2 submitters: Uncertain significance (2). Last evaluated 2025-05-17.

Conditions:
Renal cell carcinoma. Identifiers: Orphanet 217071, MedGen C0007134, MeSH D002292, MONDO:0005086, HP:0005584.
Hereditary cancer-predisposing syndrome. Also called: Hereditary neoplastic syndrome; Hereditary Cancer Syndrome; Tumor predisposition; Neoplastic Syndromes, Hereditary. Identifiers: Orphanet 140162, MedGen C0027672, MeSH D009386, MONDO:0015356.

Submissions (2):

Ambry Genetics
Classification: Uncertain significance for Hereditary cancer-predisposing syndrome. Last evaluated: 2025-05-17. Review status: criteria provided, single submitter. Criteria: Ambry Variant Classification Scheme 2023. Collection method: clinical testing. Allele origin: germline.

Labcorp Genetics (formerly Invitae), Labcorp
Classification: Uncertain significance for Renal cell carcinoma. Last evaluated: 2022-05-09. Review status: criteria provided, single submitter. Criteria: Invitae Variant Classification Sherloc (09022015). Collection method: clinical testing. Allele origin: germline.
Comment: This variant has not been reported in the literature in individuals affected with MET-related conditions. Algorithms developed to predict the effect of missense changes on protein structure and function (SIFT, PolyPhen-2, Align-GVGD) all suggest that this variant is likely to be disruptive. In summary, the available evidence is currently insufficient to determine the role of this variant in disease. Therefore, it has been classified as a Variant of Uncertain Significance. This sequence change replaces aspartic acid, which is acidic and polar, with tyrosine, which is neutral and polar, at codon 1198 of the MET protein (p.Asp1198Tyr). This variant is not present in population databases (gnomAD no frequency).

NM_000245.4(MET):c.3538G>T (p.Asp1180Tyr)

Gene: MET (MET proto-oncogene, receptor tyrosine kinase; plus strand). Cytogenetic location: 7q31.2.
Variant type: single nucleotide variant.
Coding change: c.3538G>T on transcript NM_000245.4 (MANE Select); coding-DNA position 3538, G replaced by T.
Protein change: p.Asp1180Tyr; replaces aspartic acid 1180 with tyrosine.
Molecular consequence: missense variant.
Genome position (GRCh38, 1-based): chr7:116,782,003, G>T. VCF-style: chr7-116782003-G-T. GRCh37 (hg19) VCF-style: chr7-116422057-G-T.
Other names: c.3592G>T, p.Asp1198Tyr (NM_001127500.3); c.2248G>T, p.Asp750Tyr (NM_001324402.2); short protein forms D1180Y, D1198Y, D750Y.
Identifiers: ClinVar variation 2135768 (VCV002135768.5), dbSNP rs45541232, ClinGen allele CA368990909.